The following is an entry in ClinVar:

NM_152866.3(MS4A1):c.624del (p.Ile208fs)

Gene: MS4A1 (membrane spanning 4-domains A1; plus strand). Cytogenetic location: 11q12.2.
Variant type: Deletion.
Coding change: c.624del on transcript NM_152866.3 (MANE Select); coding-DNA position 624, one base deleted (A; older notation c.624delA).
Protein change: p.Ile208fs; shifts the reading frame from isoleucine 208.
Molecular consequence: frameshift variant.
Genome position (GRCh38, 1-based): chr11:60,467,009, A deleted. VCF-style (leftmost placement, unchanged base first): chr11-60467008-TA-T. GRCh37 (hg19) VCF-style: chr11-60234481-TA-T.
Other names: c.624del, p.Ile208fs (NM_021950.4, NM_152867.2); short protein forms I208fs.
Identifiers: ClinVar variation 2031971 (VCV002031971.4), dbSNP rs2495414022, ClinGen allele CA2580084340.

ClinVar aggregate classification (germline): Uncertain significance (1 of 4 stars; one submission).

Submission:

Labcorp Genetics (formerly Invitae), Labcorp
Classification: Uncertain significance. Last evaluated: 2023-11-27. Review status: criteria provided, single submitter. Criteria: Invitae Variant Classification Sherloc (09022015). Collection method: clinical testing. Allele origin: germline.
Comment: This sequence change creates a premature translational stop signal (p.Ile208Metfs*20) in the MS4A1 gene. While this is not anticipated to result in nonsense mediated decay, it is expected to disrupt the last 90 amino acid(s) of the MS4A1 protein. This variant is not present in population databases (gnomAD no frequency). This variant has not been reported in the literature in individuals affected with MS4A1-related conditions. ClinVar contains an entry for this variant (Variation ID: 2031971). Experimental studies and prediction algorithms are not available or were not evaluated, and the functional significance of this variant is currently unknown. In summary, the available evidence is currently insufficient to determine the role of this variant in disease. Therefore, it has been classified as a Variant of Uncertain Significance.